The following is an entry in ClinVar:

NM_006420.3(ARFGEF2):c.4891A>G (p.Asn1631Asp)

Gene: ARFGEF2 (ARF guanine nucleotide exchange factor 2; plus strand). Cytogenetic location: 20q13.13.
Variant type: single nucleotide variant.
Coding change: c.4891A>G on transcript NM_006420.3 (MANE Select); coding-DNA position 4891, A replaced by G.
Protein change: p.Asn1631Asp; replaces asparagine 1631 with aspartic acid.
Molecular consequence: missense variant.
Genome position (GRCh38, 1-based): chr20:49,025,448, A>G. VCF-style: chr20-49025448-A-G. GRCh37 (hg19) VCF-style: chr20-47641985-A-G.
Other names: c.4891A>G (NM_006420.2); short protein forms N1631D.
Identifiers: ClinVar variation 1405254 (VCV001405254.6), dbSNP rs370851843, ClinGen allele CA315916161.

ClinVar aggregate classification (germline): Uncertain significance. Review status: criteria provided, multiple submitters, no conflicts (2 of 4 stars). 2 submissions from 2 submitters: Uncertain significance (2). Last evaluated 2024-12-02.

Conditions:
Inborn genetic diseases. Identifiers: MedGen C0950123, MeSH D030342.

Allele frequency attached by ClinVar (database versions not stated): gnomAD exomes below 0.00001 and 0.00001; TOPMed 0.00005.
gnomAD v4.1: 29 of 1,614,148 alleles (0.0018%); highest among the groups gnomAD compares: East Asian, 0.0089%; no homozygotes.

Submissions (2):

Labcorp Genetics (formerly Invitae), Labcorp
Classification: Uncertain significance. Last evaluated: 2024-12-02. Review status: criteria provided, single submitter. Criteria: Invitae Variant Classification Sherloc (09022015). Collection method: clinical testing. Allele origin: germline.
Comment: This sequence change replaces asparagine, which is neutral and polar, with aspartic acid, which is acidic and polar, at codon 1631 of the ARFGEF2 protein (p.Asn1631Asp). This variant is present in population databases (rs370851843, gnomAD 0.01%). This variant has not been reported in the literature in individuals affected with ARFGEF2-related conditions. ClinVar contains an entry for this variant (Variation ID: 1405254). An algorithm developed to predict the effect of missense changes on protein structure and function (PolyPhen-2) suggests that this variant is likely to be tolerated. In summary, the available evidence is currently insufficient to determine the role of this variant in disease. Therefore, it has been classified as a Variant of Uncertain Significance.

Ambry Genetics
Classification: Uncertain significance for Inborn genetic diseases. Last evaluated: 2022-03-31. Review status: criteria provided, single submitter. Criteria: Ambry Variant Classification Scheme 2023. Collection method: clinical testing. Allele origin: germline.